The following is an entry in ClinVar:

ClinVar aggregate classification (germline): Likely benign (0 of 4 stars; one submission).

Conditions:
TIAM1-related disorder. Also called: TIAM1-related condition.

Allele frequency attached by ClinVar (database versions not stated): 1000 Genomes Project 30x 0.00016; 1000 Genomes Project 0.00020.
gnomAD v4.1: 271 of 1,613,808 alleles (0.017%); highest among the groups gnomAD compares: South Asian, 0.25%; 3 homozygotes.

Submission:

PreventionGenetics, part of Exact Sciences
Classification: Likely benign for TIAM1-related condition. Last evaluated: 2019-07-01. Review status: no assertion criteria provided. Collection method: clinical testing. Allele origin: germline.
Comment: This variant is classified as likely benign based on ACMG/AMP sequence variant interpretation guidelines (Richards et al. 2015 PMID: 25741868, with internal and published modifications).

NM_001353694.2(TIAM1):c.3655+9C>A

Gene: TIAM1 (TIAM Rac1 associated GEF 1; minus strand). Cytogenetic location: 21q22.11.
Variant type: single nucleotide variant.
Coding change: c.3655+9C>A on transcript NM_001353694.2 (MANE Select); 9 bases into the intron after coding-DNA position 3655, C replaced by A.
Molecular consequence: intron variant.
Genome position (GRCh38, 1-based): chr21:31,141,316, G>T on the plus strand (C>A on the coding strand, the complement: TIAM1 is on the minus strand). VCF-style: chr21-31141316-G-T. GRCh37 (hg19) VCF-style: chr21-32513634-G-T.
Other names: c.3655+9C>A (NM_001353690.1, NM_003253.3, NM_001353688.1 and 4 more transcripts); c.3580+9C>A (NM_001353687.2, NM_001353686.2); c.679+9C>A (NM_001353685.2); c.754+9C>A (NM_001353684.2).
Identifiers: ClinVar variation 3042723 (VCV003042723.2), dbSNP rs537081091, ClinGen allele CA9997758.